The following is an entry in ClinVar:

NM_001164277.2(SLC37A4):c.985+1G>A

Gene: SLC37A4 (solute carrier family 37 member 4; minus strand). Cytogenetic location: 11q23.3.
Variant type: single nucleotide variant.
Coding change: c.985+1G>A on transcript NM_001164277.2 (MANE Select); the canonical splice donor site of the intron after coding-DNA position 985, G replaced by A.
Molecular consequence: splice donor variant.
Genome position (GRCh38, 1-based): chr11:119,025,966, C>T on the plus strand (G>A on the coding strand, the complement: SLC37A4 is on the minus strand). VCF-style: chr11-119025966-C-T. GRCh37 (hg19) VCF-style: chr11-118896676-C-T.
Other names: c.984+1G>A (NM_001164277.1); c.766+1G>A (NM_001164279.2); c.985+1G>A (NM_001467.6, NM_001164278.2, NM_001164280.2).
Identifiers: ClinVar variation 992984 (VCV000992984.6), dbSNP rs1943553565, ClinGen allele CA382897080.
Genomic context (GRCh38, chr11:119,025,966, plus strand): 5'-AGTCAGTGGCCCTTGCGTTCTCTCCTTGTGCCCTGCCGTGAGCCAGGCCTTTCTTAATTA[C>T]CTTGGGGGAGTCACTGGTCACTGTTACCCGGAAGAGGTACATGGACACTGTCATGCCAGC-3'

ClinVar aggregate classification (germline): Likely pathogenic. Review status: criteria provided, single submitter (1 of 4 stars). 2 submissions from 2 submitters: Likely pathogenic (1). 1 of the submissions does not count toward it. Last evaluated 2022-03-12.

Conditions:
Glucose-6-phosphate transport defect (GSD1B). Also called: Glycogen Storage Disease Type Ib; GSD Ib. Identifiers: Orphanet 364, Orphanet 79259, MedGen C0268146, MONDO:0009288, OMIM 232220.

Allele frequency attached by ClinVar (database versions not stated): gnomAD exomes below 0.00001.

Submissions (2):

Labcorp Genetics (formerly Invitae), Labcorp
Classification: Likely pathogenic for Glucose-6-phosphate transport defect. Last evaluated: 2022-03-12. Review status: criteria provided, single submitter. Criteria: Invitae Variant Classification Sherloc (09022015). Collection method: clinical testing. Allele origin: germline.
Comment: ClinVar contains an entry for this variant (Variation ID: 992984). In summary, the currently available evidence indicates that the variant is pathogenic, but additional data are needed to prove that conclusively. Therefore, this variant has been classified as Likely Pathogenic. Algorithms developed to predict the effect of sequence changes on RNA splicing suggest that this variant may disrupt the consensus splice site. Disruption of this splice site has been observed in individual(s) with clinical features of glycogen storage disease (PMID: 11949931). This variant is not present in population databases (gnomAD no frequency). This sequence change affects a donor splice site in intron 8 of the SLC37A4 gene. It is expected to disrupt RNA splicing. Variants that disrupt the donor or acceptor splice site typically lead to a loss of protein function (PMID: 16199547), and loss-of-function variants in SLC37A4 are known to be pathogenic (PMID: 9758626, 10940311).

Biochemical Molecular Genetic Laboratory, King Abdulaziz Medical City
Classification: Pathogenic for Glucose-6-phosphate transport defect. Last evaluated: 2020-02-05. Review status: no assertion criteria provided. Collection method: clinical testing. Allele origin: germline. Affected: yes. Not counted in ClinVar's aggregate classification.

Literature cited by the submitters: PubMed 11949931 (cited by Labcorp Genetics (formerly Invitae), Labcorp); PubMed 16199547 (cited by Labcorp Genetics (formerly Invitae), Labcorp); PubMed 9758626 (cited by Labcorp Genetics (formerly Invitae), Labcorp); PubMed 10940311 (cited by Labcorp Genetics (formerly Invitae), Labcorp).